The following is an entry in ClinVar:

NM_207037.2(TCF12):c.714_715delinsCG (p.Trp238_Ser239delinsCysGly)

Gene: TCF12 (transcription factor 12; plus strand). Cytogenetic location: 15q21.3.
Variant type: Indel.
Coding change: c.714_715delinsCG on transcript NM_207037.2 (MANE Select); coding-DNA positions 714 to 715, GA replaced by CG.
Protein change: p.Trp238_Ser239delinsCysGly.
Molecular consequence: missense variant. On other transcripts: intron variant (1).
Genome position (GRCh38, 1-based): chr15:57,232,319-57,232,320, GA replaced by CG. VCF-style: chr15-57232319-GA-CG. GRCh37 (hg19) VCF-style: chr15-57524517-GA-CG.
Other names: c.714_715delinsCG, p.Trp238_Ser239delinsCysGly (NM_001322161.2, NM_001322162.2, NM_001322165.2 and 7 more transcripts); c.750_751delinsCG, p.Trp250_Ser251delinsCysGly (NM_001322164.2); c.204_205delinsCG, p.Trp68_Ser69delinsCysGly (NM_207040.2, NM_001306219.3); c.118-393_118-392delinsCG (NM_001306220.3); c.57_58delinsCG, p.Trp19_Ser20delinsCysGly (NM_001322154.2); c.540_541delinsCG, p.Trp180_Ser181delinsCysGly (NM_001322156.2, NM_001322158.2).
Identifiers: ClinVar variation 4083362 (VCV004083362.1).

ClinVar aggregate classification (germline): Uncertain significance (1 of 4 stars; one submission).

Submission:

GeneDx
Classification: Uncertain significance. Last evaluated: 2025-03-14. Review status: criteria provided, single submitter. Criteria: GeneDx Variant Classification Process June 2021. Collection method: clinical testing. Allele origin: germline. Affected: yes.
Comment: Not observed at significant frequency in large population cohorts (gnomAD); In silico analysis supports a deleterious effect on protein structure/function; Has not been previously published as pathogenic or benign to our knowledge